The following is an entry in ClinVar:

NM_000051.4(ATM):c.6487C>A (p.Leu2163Ile)

Genes: ATM (ATM serine/threonine kinase; plus strand), C11orf65 (chromosome 11 open reading frame 65; minus strand). Cytogenetic location: 11q22.3.
Variant type: single nucleotide variant.
Coding change: c.6487C>A on transcript NM_000051.4 (MANE Select); coding-DNA position 6487, C replaced by A.
Protein change: p.Leu2163Ile; replaces leucine 2163 with isoleucine.
Molecular consequence: missense variant. On other transcripts: intron variant (2).
Genome position (GRCh38, 1-based): chr11:108,321,335, C>A. VCF-style: chr11-108321335-C-A. GRCh37 (hg19) VCF-style: chr11-108192062-C-A.
Other names: c.6487C>A, p.Leu2163Ile (NM_001351834.2); c.641-12264G>T (NM_001330368.2); c.*39-12264G>T (NM_001351110.2); short protein forms L2163I.
Identifiers: ClinVar variation 3222376 (VCV003222376.1), dbSNP rs1591107130, ClinGen allele CA382553999.

ClinVar aggregate classification (germline): Uncertain significance (1 of 4 stars; one submission).

Conditions:
Hereditary cancer-predisposing syndrome. Also called: Tumor predisposition; Hereditary Cancer Syndrome; Hereditary neoplastic syndrome; Neoplastic Syndromes, Hereditary. Identifiers: Orphanet 140162, MedGen C0027672, MeSH D009386, MONDO:0015356.

Submission:

Ambry Genetics
Classification: Uncertain significance for Hereditary cancer-predisposing syndrome. Last evaluated: 2023-09-21. Review status: criteria provided, single submitter. Criteria: Ambry Variant Classification Scheme 2023. Collection method: clinical testing. Allele origin: germline.
Comment: The p.L2163I variant (also known as c.6487C>A), located in coding exon 44 of the ATM gene, results from a C to A substitution at nucleotide position 6487. The leucine at codon 2163 is replaced by isoleucine, an amino acid with highly similar properties. This amino acid position is conserved. In addition, the in silico prediction for this alteration is inconclusive. Since supporting evidence is limited at this time, the clinical significance of this alteration remains unclear.